The following is an entry in ClinVar:

NM_017547.4(FOXRED1):c.920G>A (p.Gly307Glu)

Gene: FOXRED1 (FAD dependent oxidoreductase domain containing 1; plus strand). Cytogenetic location: 11q24.2.
Variant type: single nucleotide variant.
Coding change: c.920G>A on transcript NM_017547.4 (MANE Select); coding-DNA position 920, G replaced by A.
Protein change: p.Gly307Glu; replaces glycine 307 with glutamic acid.
Molecular consequence: missense variant. On other transcripts: non-coding transcript variant (2).
Genome position (GRCh38, 1-based): chr11:126,276,168, G>A. VCF-style: chr11-126276168-G-A. GRCh37 (hg19) VCF-style: chr11-126146063-G-A.
Other names: p.G307E:GGG>GAG; short protein forms G307E.
Identifiers: ClinVar variation 214447 (VCV000214447.34), dbSNP rs145888229, ClinGen allele CA322264.

ClinVar aggregate classification (germline): Conflicting classifications of pathogenicity. Review status: criteria provided, conflicting classifications (1 of 4 stars). 8 submissions from 8 submitters: Likely pathogenic (5); Uncertain significance (3). Last evaluated 2026-07-06.

Conditions:
Inborn genetic diseases. Identifiers: MedGen C0950123, MeSH D030342.
Mitochondrial complex I deficiency, nuclear type 19. Also called: Mitochondrial complex 1 deficiency, nuclear type 19. Identifiers: MedGen C4748791, MONDO:0032624, OMIM 618241.

Allele frequency attached by ClinVar (database versions not stated): ExAC 0.00012; TOPMed 0.00013; ESP Exome Variant Server 0.00015; 1000 Genomes Project 30x 0.00016; gnomAD 0.00016; gnomAD exomes 0.00017 and 0.00021; 1000 Genomes Project 0.00020.
gnomAD v4.1: 334 of 1,610,444 alleles (0.021%); highest among the groups gnomAD compares: Admixed American, 0.032%; no homozygotes.

Submissions (8):

Ambry Genetics
Classification: Uncertain significance for Inborn genetic diseases. Last evaluated: 2026-07-06. Review status: criteria provided, single submitter. Criteria: Ambry Variant Classification Scheme 2023. Collection method: clinical testing. Allele origin: germline.
Comment: The c.920G>A (p.G307E) alteration is located in exon 8 (coding exon 8) of the FOXRED1 gene. This alteration results from a G to A substitution at nucleotide position 920, causing the glycine (G) at amino acid position 307 to be replaced by a glutamic acid (E). This variant was not reported in population-based cohorts in the Genome Aggregation Database (gnomAD). This variant has been identified in the homozygous state and/or in conjunction with other FOXRED1 variant(s) in individual(s) with features consistent with FOXRED1-related mitochondrial complex I deficiency (Barbosa-Gouveia, 2019). This amino acid position is highly conserved in available vertebrate species. The in silico prediction for this alteration is inconclusive. Based on insufficient or conflicting evidence, the clinical significance of this alteration remains unclear.

Labcorp Genetics (formerly Invitae), Labcorp
Classification: Likely pathogenic. Last evaluated: 2026-01-09. Review status: criteria provided, single submitter. Criteria: Invitae Variant Classification Sherloc (09022015). Collection method: clinical testing. Allele origin: germline.
Comment: This sequence change replaces glycine, which is neutral and non-polar, with glutamic acid, which is acidic and polar, at codon 307 of the FOXRED1 protein (p.Gly307Glu). This variant is present in population databases (rs145888229, gnomAD 0.04%). This missense change has been observed in individual(s) with mitochondrial complex I deficiency (PMID: 31434271). In at least one individual the data is consistent with being in trans (on the opposite chromosome) from a pathogenic variant. ClinVar contains an entry for this variant (Variation ID: 214447). Invitae Evidence Modeling of protein sequence and biophysical properties (such as structural, functional, and spatial information, amino acid conservation, physicochemical variation, residue mobility, and thermodynamic stability) indicates that this missense variant is expected to disrupt FOXRED1 protein function with a positive predictive value of 95%. In summary, the currently available evidence indicates that the variant is pathogenic, but additional data are needed to prove that conclusively. Therefore, this variant has been classified as Likely Pathogenic.

GeneDx
Classification: Likely pathogenic. Last evaluated: 2025-06-16. Review status: criteria provided, single submitter. Criteria: GeneDx Variant Classification Process June 2021. Collection method: clinical testing. Allele origin: germline. Affected: yes.
Comment: In silico analysis supports that this missense variant has a deleterious effect on protein structure/function; This variant is associated with the following publications: (PMID: 31434271, 34426522, 31589614, 34440436, 35628876)

Women's Health and Genetics/Laboratory Corporation of America, LabCorp
Classification: Uncertain significance. Last evaluated: 2025-05-21. Review status: criteria provided, single submitter. Criteria: LabCorp Variant Classification Summary - May 2015. Collection method: clinical testing. Allele origin: germline.
Comment: Variant summary: FOXRED1 c.920G>A (p.Gly307Glu) results in a non-conservative amino acid change located in the FAD dependent oxidoreductase domain (IPR006076) of the encoded protein sequence. Algorithms developed to predict the effect of missense changes on protein structure and function all suggest that this variant is likely to be disruptive. The variant allele was found at a frequency of 0.00017 in 241882 control chromosomes. This frequency is not significantly higher than estimated for a pathogenic variant in FOXRED1 causing Leigh Syndrome (0.00017 vs 0.0013), allowing no conclusion about variant significance. c.920G>A has been reported in the literature in two compound heterozygous brothers affected with Complex I deficiency (Barbosa-Gouveia_2019). These data indicate that the variant may be associated with disease. To our knowledge, no experimental evidence demonstrating an impact on protein function has been reported. The following publication have been ascertained in the context of this evaluation (PMID: 31434271). ClinVar contains an entry for this variant (Variation ID: 214447). Based on the evidence outlined above, the variant was classified as VUS-possibly pathogenic.

Blueprint Genetics
Classification: Uncertain significance. Last evaluated: 2024-10-25. Review status: criteria provided, single submitter. Criteria: ACMG Guidelines, 2015. Collection method: clinical testing. Allele origin: germline.

CeGaT Center for Human Genetics Tuebingen
Classification: Likely pathogenic. Last evaluated: 2024-09-01. Review status: criteria provided, single submitter. Criteria: CeGaT Center For Human Genetics Tuebingen Variant Classification Criteria Version 2. Collection method: clinical testing. Allele origin: germline. Affected: yes. Observed: 1 variant allele.
Comment: FOXRED1: PM3:Strong, PM2

Department of Pathology and Laboratory Medicine, Sinai Health System
Classification: Likely pathogenic for Mitochondrial complex I deficiency, nuclear type 19. Last evaluated: 2023-03-20. Review status: criteria provided, single submitter. Criteria: ACMG Guidelines, 2015. Collection method: research. Allele origin: germline.

Diagnostic and Treatment Unit for Congenital Metabolic Diseases, Hopital Clínico Universitario de Santiago de Compostela (CHUS)
Classification: Likely pathogenic for Mitochondrial complex I deficiency, nuclear type 19. Last evaluated: 2019-08-31. Review status: criteria provided, single submitter. Criteria: ACMG Guidelines, 2015. Collection method: clinical testing, in vitro. Allele origin: paternal, not applicable. Affected: yes. Observed: 1 compound heterozygote. Segregation with disease observed.

Literature cited by the submitters: PubMed 31434271 (cited by 3 submitters); PubMed 35628876 (cited by Diagnostic and Treatment Unit for Congenital Metabolic Diseases, Hopital Clínico Universitario de Santiago de Compostela (CHUS)).